The following is an entry in ClinVar:

NM_138711.6(PPARG):c.1121C>T (p.Ala374Val)

Gene: PPARG (peroxisome proliferator activated receptor gamma; plus strand). Cytogenetic location: 3p25.2.
Variant type: single nucleotide variant.
Coding change: c.1121C>T on transcript NM_138711.6 (MANE Select); coding-DNA position 1121, C replaced by T.
Protein change: p.Ala374Val; replaces alanine 374 with valine.
Molecular consequence: missense variant. On other transcripts: intron variant (5).
Genome position (GRCh38, 1-based): chr3:12,417,095, C>T. VCF-style: chr3-12417095-C-T. GRCh37 (hg19) VCF-style: chr3-12458594-C-T.
Other names: c.1121C>T, p.Ala374Val (NM_001354666.3, NM_001354667.3, NM_001374263.2 and 3 more transcripts); c.494C>T, p.Ala165Val (NM_001354669.2); c.1211C>T, p.Ala404Val (NM_015869.5); c.729+11014C>T (NM_001374261.3, NM_001374262.3, NM_001330615.4); c.653+11096C>T (NM_001374266.1); c.819+11014C>T (NM_001374265.1); short protein forms A374V, A404V, A165V.
Identifiers: ClinVar variation 4984501 (VCV004984501.1).

ClinVar aggregate classification (germline): Uncertain significance (1 of 4 stars; one submission).

Conditions:
PPARG-related disorder. Also called: PPARG-related condition; PPARG-related disorders.

gnomAD v4.1: 2 of 1,614,072 alleles (0.00012%); highest among the groups gnomAD compares: Admixed American, 0.0017%; no homozygotes.

Submission:

PreventionGenetics, part of Exact Sciences
Classification: Uncertain significance for PPARG-related condition. Last evaluated: 2026-04-24. Review status: criteria provided, single submitter. Criteria: ACMG Guidelines, 2015. Collection method: clinical testing. Allele origin: germline.
Comment: The PPARG c.1211C>T variant is predicted to result in the amino acid substitution p.Ala404Val. This variant was reported in one individual with type 2 diabetes and was interpreted as benign based on bioinformatic prediction (Majithia et al. 2014. PubMed ID: 25157153).  This variant is reported in 0.0029% of alleles in individuals of Latino descent in gnomAD. At this time, the clinical significance of this variant is uncertain due to the absence of conclusive functional and genetic evidence.